The following is an entry in ClinVar:

ClinVar aggregate classification (germline): Conflicting classifications of pathogenicity. Review status: criteria provided, conflicting classifications (1 of 4 stars). 2 submissions from 2 submitters: Uncertain significance (1); Likely benign (1). Last evaluated 2024-12-19.

Conditions:
Inborn genetic diseases. Identifiers: MedGen C0950123, MeSH D030342.

Allele frequency attached by ClinVar (database versions not stated): ExAC 0.00001; gnomAD 0.00003; TOPMed 0.00003.
gnomAD v4.1: 39 of 1,613,716 alleles (0.0024%); highest among the groups gnomAD compares: East Asian, 0.0045%; no homozygotes.

Submissions (2):

GeneDx
Classification: Uncertain significance. Last evaluated: 2024-12-19. Review status: criteria provided, single submitter. Criteria: GeneDx Variant Classification Process June 2021. Collection method: clinical testing. Allele origin: germline. Affected: yes.
Comment: Has not been previously published as pathogenic or benign to our knowledge; In silico analysis indicates that this missense variant does not alter protein structure/function

Ambry Genetics
Classification: Likely benign for Inborn genetic diseases. Last evaluated: 2022-12-14. Review status: criteria provided, single submitter. Criteria: Ambry Variant Classification Scheme 2023. Collection method: clinical testing. Allele origin: germline.

NM_000210.4(ITGA6):c.3064A>G (p.Ile1022Val)

Genes: ITGA6 (integrin subunit alpha 6; plus strand), PDK1-AS1 (PDK1 and ITGA6 antisense RNA 1; minus strand). Cytogenetic location: 2q31.1.
Variant type: single nucleotide variant.
Coding change: c.3064A>G on transcript NM_000210.4 (MANE Select); coding-DNA position 3064, A replaced by G.
Protein change: p.Ile1022Val; replaces isoleucine 1022 with valine.
Molecular consequence: missense variant.
Genome position (GRCh38, 1-based): chr2:172,498,050, A>G. VCF-style: chr2-172498050-A-G. GRCh37 (hg19) VCF-style: chr2-173362778-A-G.
Other names: c.3064A>G (NM_001079818.1); c.3064A>G, p.Ile1022Val (NM_001079818.3); c.2707A>G, p.Ile903Val (NM_001316306.2); c.3019A>G, p.Ile1007Val (NM_001365529.2, NM_001365530.2); c.3181A>G, p.Ile1061Val (NM_001394928.1); short protein forms I903V, I1007V, I1022V, I1061V.
Identifiers: ClinVar variation 2224342 (VCV002224342.3), dbSNP rs771708961, ClinGen allele CA1968582.
Genomic context (GRCh38, chr2:172,498,050, plus strand): 5'-TTTCCCTCAAAGACTGTAGCTCAGTATTCGGGAGTACCTTGGTGGATCATCCTAGTGGCT[A>G]TTCTCGCTGGGATCTTGATGCTTGCTTTATTAGTGTTTATACTATGGAAGGTAAGTCATA-3'
Protein context (NP_000201.2, residues 1012-1032): GVPWWIILVA[Ile1022Val]LAGILMLALL